The following is an entry in ClinVar:

ClinVar aggregate classification (germline): Uncertain significance. Review status: criteria provided, multiple submitters, no conflicts (2 of 4 stars). 3 submissions from 3 submitters: Uncertain significance (3). Last evaluated 2025-09-21.

Conditions:
Xeroderma pigmentosum, group F (XPF). Also called: XERODERMA PIGMENTOSUM, COMPLEMENTATION GROUP F; ERCC4-Related Xeroderma Pigmentosum; XERODERMA PIGMENTOSUM, TYPE F; Xeroderma pigmentosum, type 6; XERODERMA PIGMENTOSUM VI; XP, GROUP F. Identifiers: MedGen C0268140, MONDO:0010215, OMIM 278760.
Cockayne syndrome. Identifiers: Orphanet 191, MedGen C0009207, MONDO:0016006.
Fanconi anemia complementation group Q. Identifiers: Orphanet 84, MedGen C3808988, MONDO:0014108, OMIM 615272.
Inborn genetic diseases. Identifiers: MedGen C0950123, MeSH D030342.
Xeroderma pigmentosum (XP). Identifiers: Orphanet 910, MedGen C0043346, MONDO:0019600.

Allele frequency attached by ClinVar (database versions not stated): gnomAD 0.00001 and 0.00002; TOPMed 0.00005.
gnomAD v4.1: 7 of 1,606,894 alleles (0.00044%); highest among the groups gnomAD compares: Admixed American, 0.0033%; no homozygotes.

Submissions (3):

Ambry Genetics
Classification: Uncertain significance for Inborn genetic diseases. Last evaluated: 2025-09-21. Review status: criteria provided, single submitter. Criteria: Ambry Variant Classification Scheme 2023. Collection method: clinical testing. Allele origin: germline.

Labcorp Genetics (formerly Invitae), Labcorp
Classification: Uncertain significance for Fanconi anemia complementation group Q; Xeroderma pigmentosum, group F; Cockayne syndrome. Last evaluated: 2024-12-12. Review status: criteria provided, single submitter. Criteria: Invitae Variant Classification Sherloc (09022015). Collection method: clinical testing. Allele origin: germline.
Comment: This sequence change replaces valine, which is neutral and non-polar, with alanine, which is neutral and non-polar, at codon 33 of the ERCC4 protein (p.Val33Ala). This variant is not present in population databases (gnomAD no frequency). This variant has not been reported in the literature in individuals affected with ERCC4-related conditions. ClinVar contains an entry for this variant (Variation ID: 1692887). Invitae Evidence Modeling of protein sequence and biophysical properties (such as structural, functional, and spatial information, amino acid conservation, physicochemical variation, residue mobility, and thermodynamic stability) indicates that this missense variant is not expected to disrupt ERCC4 protein function with a negative predictive value of 80%. In summary, the available evidence is currently insufficient to determine the role of this variant in disease. Therefore, it has been classified as a Variant of Uncertain Significance.

Sema4
Classification: Uncertain significance for Xeroderma pigmentosum. Last evaluated: 2022-02-09. Review status: criteria provided, single submitter. Criteria: Sema4 Curation Guidelines. Collection method: curation. Allele origin: germline.
Comment: To the best of our knowledge, the ERCC4 c.98T>C (p.V33A) variant has not been reported in individuals with ERCC4-related disease. This variant is not reported in the population database Genome Aggregation Database (PMID: 32461654), and has not been reported in ClinVar. Functional studies have not been performed, and in silico predictions of the variant's effect on protein function are inconclusive. The evidence is insufficient to meet ACMG/AMP criteria for classifying the variant as benign or pathogenic. Thus, the clinical significance of this variant is currently uncertain.

NM_005236.3(ERCC4):c.98T>C (p.Val33Ala)

Genes: ERCC4 (ERCC excision repair 4, endonuclease catalytic subunit; plus strand), LOC130058543 (ATAC-STARR-seq lymphoblastoid active region 10486; plus strand). Cytogenetic location: 16p13.12.
Variant type: single nucleotide variant.
Coding change: c.98T>C on transcript NM_005236.3 (MANE Select); coding-DNA position 98, T replaced by C.
Protein change: p.Val33Ala; replaces valine 33 with alanine.
Molecular consequence: missense variant.
Genome position (GRCh38, 1-based): chr16:13,920,263, T>C. VCF-style: chr16-13920263-T-C. GRCh37 (hg19) VCF-style: chr16-14014120-T-C.
Other names: short protein forms V33A.
Identifiers: ClinVar variation 1692887 (VCV001692887.3), dbSNP rs1287910269, ClinGen allele CA394816145.